The following is an entry in ClinVar:

ClinVar aggregate classification (germline): Uncertain significance (1 of 4 stars; one submission).

Submission:

GeneDx
Classification: Uncertain significance. Last evaluated: 2026-03-12. Review status: criteria provided, single submitter. Criteria: GeneDx Variant Classification Process June 2021. Collection method: clinical testing. Allele origin: germline.
Comment: Not observed at significant frequency in large population cohorts (gnomAD); In silico analysis suggests that this missense variant does not alter protein structure/function; Has not been previously published as pathogenic or benign to our knowledge

NM_021224.6(ZNF462):c.3774C>A (p.Asp1258Glu)

Gene: ZNF462 (zinc finger protein 462; plus strand). Cytogenetic location: 9q31.2.
Variant type: single nucleotide variant.
Coding change: c.3774C>A on transcript NM_021224.6 (MANE Select); coding-DNA position 3774, C replaced by A.
Protein change: p.Asp1258Glu; replaces aspartic acid 1258 with glutamic acid.
Molecular consequence: missense variant. On other transcripts: intron variant (1).
Genome position (GRCh38, 1-based): chr9:106,927,686, C>A. VCF-style: chr9-106927686-C-A. GRCh37 (hg19) VCF-style: chr9-109689967-C-A.
Other names: c.3252+522C>A (NM_001347997.2); short protein forms D1258E.
Identifiers: ClinVar variation 5009125 (VCV005009125.1).